The following is an entry in ClinVar:

ClinVar aggregate classification (germline): Uncertain significance (1 of 4 stars; one submission).

Conditions:
Multiple endocrine neoplasia, type 1 (MEN1). Also called: MEN I; WERMER SYNDROME; Endocrine adenomatosis multiple; MEN 1; MEA I. Identifiers: Orphanet 652, MedGen C0025267, MeSH D018761, MONDO:0007540, OMIM 131100.

Submission:

Labcorp Genetics (formerly Invitae), Labcorp
Classification: Uncertain significance for Multiple endocrine neoplasia, type 1. Last evaluated: 2023-11-20. Review status: criteria provided, single submitter. Criteria: Invitae Variant Classification Sherloc (09022015). Collection method: clinical testing. Allele origin: germline.
Comment: This sequence change replaces isoleucine, which is neutral and non-polar, with methionine, which is neutral and non-polar, at codon 54 of the MEN1 protein (p.Ile54Met). This variant is not present in population databases (gnomAD no frequency). This variant has not been reported in the literature in individuals affected with MEN1-related conditions. Advanced modeling of protein sequence and biophysical properties (such as structural, functional, and spatial information, amino acid conservation, physicochemical variation, residue mobility, and thermodynamic stability) performed at Invitae indicates that this missense variant is expected to disrupt MEN1 protein function with a positive predictive value of 80%. In summary, the available evidence is currently insufficient to determine the role of this variant in disease. Therefore, it has been classified as a Variant of Uncertain Significance.

NM_001370259.2(MEN1):c.162C>G (p.Ile54Met)

Gene: MEN1 (menin 1; minus strand). Cytogenetic location: 11q13.1.
Variant type: single nucleotide variant.
Coding change: c.162C>G on transcript NM_001370259.2 (MANE Select); coding-DNA position 162, C replaced by G.
Protein change: p.Ile54Met; replaces isoleucine 54 with methionine.
Molecular consequence: missense variant. On other transcripts: non-coding transcript variant (4).
Genome position (GRCh38, 1-based): chr11:64,809,948, G>C on the plus strand (C>G on the coding strand, the complement: MEN1 is on the minus strand). VCF-style: chr11-64809948-G-C. GRCh37 (hg19) VCF-style: chr11-64577420-G-C.
Other names: c.162C>G, p.Ile54Met (NM_000244.4, NM_001370251.2, NM_001370260.2 and 20 more transcripts); short protein forms I54M.
Identifiers: ClinVar variation 2697548 (VCV002697548.3), dbSNP rs1555166662, ClinGen allele CA381187743.